The following is an entry in ClinVar:

NM_005445.4(SMC3):c.434_437del (p.Asn145fs)

Gene: SMC3 (structural maintenance of chromosomes 3; plus strand). Cytogenetic location: 10q25.2.
Variant type: Deletion.
Coding change: c.434_437del on transcript NM_005445.4 (MANE Select); coding-DNA positions 434 to 437, 4 bases deleted (ACCA; older notation c.434_437delACCA).
Protein change: p.Asn145fs; shifts the reading frame from asparagine 145.
Molecular consequence: frameshift variant.
Genome position (GRCh38, 1-based): chr10:110,580,908-110,580,911, ACCA deleted; deleting any 4 consecutive bases within chr10:110,580,906-110,580,911 gives the same sequence; the c. name uses the placement nearest the transcript's 3' end. VCF-style (leftmost placement, unchanged base first): chr10-110580905-TCAAC-T. GRCh37 (hg19) VCF-style: chr10-112340663-TCAAC-T.
Other names: c.434_437delACCA, p.Asn145Argfs (NM_005445.3); short protein forms N145fs.
Identifiers: ClinVar variation 2572845 (VCV002572845.1), dbSNP rs2493110995, ClinGen allele CA2580616897.

ClinVar aggregate classification (germline): Uncertain significance (1 of 4 stars; one submission).

Submission:

GeneDx
Classification: Uncertain significance. Last evaluated: 2023-01-12. Review status: criteria provided, single submitter. Criteria: GeneDx Variant Classification Process June 2021. Collection method: clinical testing. Allele origin: germline. Affected: yes.
Comment: Not observed at significant frequency in large population cohorts (gnomAD); Frameshift variant predicted to result in protein truncation or nonsense mediated decay in a gene for which loss of function is not a well-established mechanism of disease; Has not been previously published as pathogenic or benign to our knowledge